The following is an entry in ClinVar:

NM_000059.4(BRCA2):c.7819A>G (p.Thr2607Ala)

Gene: BRCA2 (BRCA2 DNA repair associated; plus strand). Cytogenetic location: 13q13.1.
Variant type: single nucleotide variant.
Coding change: c.7819A>G on transcript NM_000059.4 (MANE Select); coding-DNA position 7819, A replaced by G.
Protein change: p.Thr2607Ala; replaces threonine 2607 with alanine.
Molecular consequence: missense variant.
Genome position (GRCh38, 1-based): chr13:32,362,536, A>G. VCF-style: chr13-32362536-A-G. GRCh37 (hg19) VCF-style: chr13-32936673-A-G.
Other names: short protein forms T2607A.
Identifiers: ClinVar variation 91494 (VCV000091494.13), dbSNP rs80359008, ClinGen allele CA025299.

ClinVar aggregate classification (germline): Conflicting classifications of pathogenicity. Review status: criteria provided, conflicting classifications (1 of 4 stars). 4 submissions from 4 submitters: Uncertain significance (2); Likely benign (1). 1 of the submissions does not count toward it. Last evaluated 2025-07-23.

Conditions:
Hereditary cancer-predisposing syndrome. Also called: Tumor predisposition; Hereditary Cancer Syndrome; Neoplastic Syndromes, Hereditary; Hereditary neoplastic syndrome. Identifiers: Orphanet 140162, MedGen C0027672, MeSH D009386, MONDO:0015356.
Breast-ovarian cancer, familial, susceptibility to, 2 (BROVCA2). Also called: BRCA2 Hereditary Breast and Ovarian Cancer. Identifiers: Orphanet 145, MedGen C2675520, MONDO:0012933, OMIM 612555. Disease mechanism: loss of function.
Familial cancer of breast. Also called: BREAST CANCER, FAMILIAL; hereditary breast carcinoma; Hereditary breast cancer. Identifiers: Orphanet 227535, MedGen C0346153, MONDO:0016419, OMIM 114480. Disease mechanism: loss of function.
Hereditary breast ovarian cancer syndrome. Also called: Breast and ovarian cancer; Hereditary breast and ovarian cancer; Hereditary breast and ovarian cancer syndrome; BRCA1- and BRCA2-Associated Hereditary Breast and Ovarian Cancer; Hereditary breast and ovarian cancer syndrome (HBOC); Hereditary breast and/or ovarian cancer syndrome. Identifiers: Orphanet 145, MedGen C0677776, MeSH D061325, MONDO:0003582. Disease mechanism: loss of function.

Submissions (4):

Labcorp Genetics (formerly Invitae), Labcorp
Classification: Uncertain significance for Hereditary breast ovarian cancer syndrome. Last evaluated: 2025-07-23. Review status: criteria provided, single submitter. Criteria: Invitae Variant Classification Sherloc (09022015). Collection method: clinical testing. Allele origin: germline.
Comment: This sequence change replaces threonine, which is neutral and polar, with alanine, which is neutral and non-polar, at codon 2607 of the BRCA2 protein (p.Thr2607Ala). This variant is not present in population databases (gnomAD no frequency). This variant has not been reported in the literature in individuals affected with BRCA2-related conditions. ClinVar contains an entry for this variant (Variation ID: 91494). Invitae Evidence Modeling of protein sequence and biophysical properties (such as structural, functional, and spatial information, amino acid conservation, physicochemical variation, residue mobility, and thermodynamic stability) indicates that this missense variant is not expected to disrupt BRCA2 protein function with a negative predictive value of 95%. In summary, the available evidence is currently insufficient to determine the role of this variant in disease. Therefore, it has been classified as a Variant of Uncertain Significance.

Ambry Genetics
Classification: Likely benign for Hereditary cancer-predisposing syndrome. Last evaluated: 2025-05-19. Review status: criteria provided, single submitter. Criteria: Ambry Variant Classification Scheme 2023. Collection method: clinical testing. Allele origin: germline.

Baylor Genetics
Classification: Uncertain significance for Familial cancer of breast. Last evaluated: 2023-10-05. Review status: criteria provided, single submitter. Criteria: ACMG Guidelines, 2015. Collection method: clinical testing. Allele origin: unknown.

Sharing Clinical Reports Project (SCRP)
Classification: Uncertain significance for Breast-ovarian cancer, familial 2. Last evaluated: 2007-03-22. Review status: no assertion criteria provided. Collection method: clinical testing. Allele origin: germline. Not counted in ClinVar's aggregate classification.